The following is an entry in ClinVar:

NM_001377.3(DYNC2H1):c.2482A>G (p.Met828Val)

Gene: DYNC2H1 (dynein cytoplasmic 2 heavy chain 1; plus strand). Cytogenetic location: 11q22.3.
Variant type: single nucleotide variant.
Coding change: c.2482A>G on transcript NM_001377.3 (MANE Select); coding-DNA position 2482, A replaced by G.
Protein change: p.Met828Val; replaces methionine 828 with valine.
Molecular consequence: missense variant.
Genome position (GRCh38, 1-based): chr11:103,135,856, A>G. VCF-style: chr11-103135856-A-G. GRCh37 (hg19) VCF-style: chr11-103006585-A-G.
Other names: c.2482A>G, p.Met828Val (NM_001080463.2); short protein forms M828V.
Identifiers: ClinVar variation 695548 (VCV000695548.21), dbSNP rs200961157, ClinGen allele CA6253049.
Genomic context (GRCh38, chr11:103,135,856, plus strand): 5'-GGCATTCCAAATCAGTTTAAGGGAGTGGGTGAGGCAGGAGATGAATCTATTTTTTCTATT[A>G]TGATTGATAGAAATGCAAGTGGATTTTTGACGATTTTCAGCAAAGCAGAAGATCTGTTTA-3'
Protein context (NP_001368.2, residues 818-838): EAGDESIFSI[Met828Val]IDRNASGFLT

ClinVar aggregate classification (germline): Conflicting classifications of pathogenicity. Review status: criteria provided, conflicting classifications (1 of 4 stars). 5 submissions from 5 submitters: Uncertain significance (2); Likely benign (2). 1 of the submissions does not count toward it. Last evaluated 2026-01-27.

Conditions:
DYNC2H1-related disorder. Also called: DYNC2H1-related disorders; DYNC2H1-related condition. Identifiers: MedGen CN378770.
Jeune thoracic dystrophy. Also called: Jeune syndrome; Infantile thoracic dystrophy; Thoracic pelvic phalangeal dystrophy; Jeune's syndrome; Chondroectodermal dysplasia-like syndrome; Short-rib thoracic dysplasia. Identifiers: Orphanet 474, MedGen C0265275, MONDO:0018770.
Inborn genetic diseases. Identifiers: MedGen C0950123, MeSH D030342.

Allele frequency attached by ClinVar (database versions not stated): gnomAD exomes 0.00027; ExAC 0.00030; ESP Exome Variant Server 0.00059; gnomAD 0.00080 and 0.00081; TOPMed 0.00093; 1000 Genomes Project 0.00240; 1000 Genomes Project 30x 0.00281.
gnomAD v4.1: 266 of 1,613,198 alleles (0.016%); highest among the groups gnomAD compares: African/African-American, 0.26%; 2 homozygotes.

Submissions (5):

Labcorp Genetics (formerly Invitae), Labcorp
Classification: Likely benign for Jeune thoracic dystrophy. Last evaluated: 2026-01-27. Review status: criteria provided, single submitter. Criteria: Invitae Variant Classification Sherloc (09022015). Collection method: clinical testing. Allele origin: germline.

Ambry Genetics
Classification: Uncertain significance for Inborn genetic diseases. Last evaluated: 2025-08-10. Review status: criteria provided, single submitter. Criteria: Ambry Variant Classification Scheme 2023. Collection method: clinical testing. Allele origin: germline.

Blueprint Genetics
Classification: Likely benign. Last evaluated: 2024-10-08. Review status: criteria provided, single submitter. Criteria: ACMG Guidelines, 2015. Collection method: clinical testing. Allele origin: germline.

ARUP Laboratories, Molecular Genetics and Genomics, ARUP Laboratories
Classification: Uncertain significance. Last evaluated: 2018-12-06. Review status: criteria provided, single submitter. Criteria: ARUP Molecular Germline Variant Investigation Process. Collection method: clinical testing. Allele origin: germline.
Comment: The DYNC2H1 c.2482A>G; p.Met828Val variant (rs200961157), to our knowledge, is not described in the medical literature or in gene-specific databases. It is observed in the African population at an overall frequency of 0.3% (75/24144 alleles, 1 homozygote) in the Genome Aggregation Database. The methionine at codon 828 is highly conserved, but computational algorithms (PolyPhen-2, SIFT) predict that this variant is tolerated. Due to the lack of clinical and functional data regarding this variant, its clinical significance cannot be determined with certainty.

PreventionGenetics, part of Exact Sciences
Classification: Likely benign for DYNC2H1-related condition. Last evaluated: 2023-10-26. Review status: no assertion criteria provided. Collection method: clinical testing. Allele origin: germline. Not counted in ClinVar's aggregate classification.
Comment: This variant is classified as likely benign based on ACMG/AMP sequence variant interpretation guidelines (Richards et al. 2015 PMID: 25741868, with internal and published modifications).